The following is an entry in ClinVar:

NM_000548.5(TSC2):c.1933G>A (p.Val645Ile)

Gene: TSC2 (TSC complex subunit 2; plus strand). Cytogenetic location: 16p13.3.
Variant type: single nucleotide variant.
Coding change: c.1933G>A on transcript NM_000548.5 (MANE Select); coding-DNA position 1933, G replaced by A.
Protein change: p.Val645Ile; replaces valine 645 with isoleucine.
Molecular consequence: missense variant.
Genome position (GRCh38, 1-based): chr16:2,071,603, G>A. VCF-style: chr16-2071603-G-A. GRCh37 (hg19) VCF-style: chr16-2121604-G-A.
Other names: c.1933G>A, p.Val645Ile (NM_001077183.3, NM_001114382.3, NM_001363528.2 and 3 more transcripts); c.1822G>A, p.Val608Ile (NM_001318827.2); c.1786G>A, p.Val596Ile (NM_001318829.2); c.1333G>A, p.Val445Ile (NM_001318831.2); c.1966G>A, p.Val656Ile (NM_001318832.2); c.1933G>A (NM_000548.4); short protein forms V645I, V608I, V596I, V445I, V656I.
Identifiers: ClinVar variation 406009 (VCV000406009.45), dbSNP rs746677177, ClinGen allele CA034565.
Genomic context (GRCh38, chr16:2,071,603, plus strand): 5'-TCACTGCACCGCCTGGGCCTGCCCAACAAGGATGGAGTCGTGCGGTTCAGCCCCTACTGC[G>A]TCTGCGACTACATGTACGCGGGACCTCGCCCACGGCCCATGAGGCTCAGGGCGTCAGAGG-3'
Protein context (NP_000539.2, residues 635-655): DGVVRFSPYC[Val645Ile]CDYMEPERGS

ClinVar aggregate classification (germline): Conflicting classifications of pathogenicity. Review status: criteria provided, conflicting classifications (1 of 4 stars). 10 submissions from 10 submitters: Uncertain significance (1); Benign (2); Likely benign (7). Last evaluated 2026-08-17.

Conditions:
TSC2-related disorder. Also called: TSC2-related condition; TSC2-Related Disorders.
Tuberous sclerosis syndrome (TSC). Also called: Tuberous Sclerosis Complex; Tuberous sclerosis. Identifiers: Orphanet 805, MedGen C0041341, MONDO:0001734.
Hereditary cancer-predisposing syndrome. Also called: Neoplastic Syndromes, Hereditary; Hereditary neoplastic syndrome; Tumor predisposition; Hereditary Cancer Syndrome. Identifiers: Orphanet 140162, MedGen C0027672, MeSH D009386, MONDO:0015356.
Tuberous sclerosis 2 (TSC2). Identifiers: Orphanet 805, MedGen C1860707, MONDO:0013199, OMIM 613254.

Allele frequency attached by ClinVar (database versions not stated): TOPMed 0.00003.
gnomAD v4.1: 25 of 1,613,290 alleles (0.0015%); highest among the groups gnomAD compares: Admixed American, 0.0067%; no homozygotes.

Submissions (10):

PreventionGenetics, part of Exact Sciences
Classification: Likely benign for TSC2-related condition. Last evaluated: 2026-08-17. Review status: criteria provided, single submitter. Criteria: ACMG Guidelines, 2015. Collection method: clinical testing. Allele origin: germline.
Comment: This variant is classified as likely benign based on ACMG/AMP sequence variant interpretation guidelines (Richards et al. 2015 PMID: 25741868, with internal and published modifications).

Labcorp Genetics (formerly Invitae), Labcorp
Classification: Benign for Tuberous sclerosis 2. Last evaluated: 2025-12-27. Review status: criteria provided, single submitter. Criteria: Invitae Variant Classification Sherloc (09022015). Collection method: clinical testing. Allele origin: germline.

All of Us Research Program, National Institutes of Health
Classification: Likely benign for Tuberous sclerosis syndrome. Last evaluated: 2024-04-10. Review status: criteria provided, single submitter. Criteria: ACMG Guidelines, 2015. Collection method: clinical testing. Allele origin: germline. Inheritance: Autosomal dominant inheritance. Observed: 7 variant alleles, 7 heterozygotes.
Comment: This study involves interpretation of variants in research participants for the purpose of population health screening. Participant phenotype was not available at the time of variant classification. Additional details can be found in publication PMID: 35346344, PMCID: PMC8962531

Women's Health and Genetics/Laboratory Corporation of America, LabCorp
Classification: Uncertain significance. Last evaluated: 2023-10-03. Review status: criteria provided, single submitter. Criteria: LabCorp Variant Classification Summary - May 2015. Collection method: clinical testing. Allele origin: germline.
Comment: Variant summary: TSC2 c.1933G>A (p.Val645Ile) results in a conservative amino acid change located in the Tuberin-type domain (IPR018515) of the encoded protein sequence. Five of five in-silico tools predict a benign effect of the variant on protein function. The variant allele was found at a frequency of 3.6e-05 in 250264 control chromosomes, predominantly at a frequency of 0.00012 within the Latino subpopulation in the gnomAD database. While the frequency of the variant in the Latino subpopulation is higher than expected for a pathogenic variant, clear conclusions cannot be drawn due to the small number of variant occurrences (4/34554). To our knowledge, no occurrence of c.1933G>A in individuals affected with Tuberous Sclerosis Complex and no experimental evidence demonstrating its impact on protein function have been reported. Four submitters have cited clinical-significance assessments for this variant to ClinVar after 2014, classifying the variant as benign (n=2) or likely benign (n=2). Based on the evidence outlined above, the variant was classified as VUS-possibly benign.

Quest Diagnostics Nichols Institute San Juan Capistrano
Classification: Likely benign. Last evaluated: 2023-09-06. Review status: criteria provided, single submitter. Criteria: Quest Diagnostics criteria. Collection method: clinical testing. Allele origin: unknown.
Comment: The frequency of this variant in the general population is higher than would generally be expected for pathogenic variants in this gene. Computational tools predict this amino acid change may be benign. This variant has been seen where an alternate explanation for disease was also identified.

Color Diagnostics, LLC DBA Color Health
Classification: Likely benign for Tuberous sclerosis syndrome. Last evaluated: 2022-09-22. Review status: criteria provided, single submitter. Criteria: ACMG Guidelines, 2015. Collection method: clinical testing. Allele origin: germline.

CeGaT Center for Human Genetics Tuebingen
Classification: Likely benign. Last evaluated: 2022-07-01. Review status: criteria provided, single submitter. Criteria: CeGaT Center For Human Genetics Tuebingen Variant Classification Criteria Version 2. Collection method: clinical testing. Allele origin: germline. Affected: yes. Observed: 1 variant allele.
Comment: TSC2: BP4

Genome-Nilou Lab
Classification: Benign for Tuberous sclerosis 2. Last evaluated: 2021-11-07. Review status: criteria provided, single submitter. Criteria: ACMG Guidelines, 2015. Collection method: clinical testing. Allele origin: germline. Affected: no.

Ambry Genetics
Classification: Likely benign for Hereditary cancer-predisposing syndrome. Last evaluated: 2020-05-05. Review status: criteria provided, single submitter. Criteria: Ambry Variant Classification Scheme 2023. Collection method: clinical testing. Allele origin: germline.

GeneDx
Classification: Likely benign. Last evaluated: 2018-01-08. Review status: criteria provided, single submitter. Criteria: GeneDx Variant Classification (06012015). Collection method: clinical testing. Allele origin: germline. Affected: yes.
Comment: This variant is considered likely benign or benign based on one or more of the following criteria: it is a conservative change, it occurs at a poorly conserved position in the protein, it is predicted to be benign by multiple in silico algorithms, and/or has population frequency not consistent with disease.